The following is an entry in ClinVar:

NM_000260.4(MYO7A):c.5481-15C>T

Gene: MYO7A (myosin VIIA; plus strand). Cytogenetic location: 11q13.5.
Variant type: single nucleotide variant.
Coding change: c.5481-15C>T on transcript NM_000260.4 (MANE Select); 15 bases into the intron before coding-DNA position 5481, C replaced by T.
Molecular consequence: intron variant.
Genome position (GRCh38, 1-based): chr11:77,205,447, C>T. VCF-style: chr11-77205447-C-T. GRCh37 (hg19) VCF-style: chr11-76916492-C-T.
Other names: c.5334-15C>T (NM_001369365.1); c.5367-15C>T (NM_001127180.2).
Identifiers: ClinVar variation 179564 (VCV000179564.12), dbSNP rs727504955, ClinGen allele CA184674.
Genomic context (GRCh38, chr11:77,205,447, plus strand): 5'-CTCACCCGGGGGTGCACAGGTCCTGTGACTCCCGATGGCAGCTGCCCCTGCTGGAGCCCA[C>T]GCCTCCTCCTGCAGGTACAGCGAGGAGCGGGGTTGGGAGCTGCTCTGGCTGTGCACGGGC-3'

ClinVar aggregate classification (germline): Likely benign. Review status: criteria provided, multiple submitters, no conflicts (2 of 4 stars). 3 submissions from 3 submitters: Likely benign (3). Last evaluated 2024-01-29.

Allele frequency attached by ClinVar (database versions not stated): gnomAD 0.00001; TOPMed 0.00001; gnomAD exomes 0.00002 and 0.00003; ExAC 0.00005.
gnomAD v4.1: 38 of 1,553,840 alleles (0.0024%); highest among the groups gnomAD compares: Non-Finnish European, 0.0028%; no homozygotes.

Submissions (3):

Labcorp Genetics (formerly Invitae), Labcorp
Classification: Likely benign. Last evaluated: 2024-01-29. Review status: criteria provided, single submitter. Criteria: Invitae Variant Classification Sherloc (09022015). Collection method: clinical testing. Allele origin: germline.

Blueprint Genetics
Classification: Likely benign. Last evaluated: 2023-02-16. Review status: criteria provided, single submitter. Criteria: ACMG Guidelines, 2015. Collection method: clinical testing. Allele origin: germline.

Laboratory for Molecular Medicine, Mass General Brigham Personalized Medicine
Classification: Likely benign. Last evaluated: 2014-02-07. Review status: criteria provided, single submitter. Criteria: LMM Criteria. Collection method: clinical testing. Allele origin: germline. Observed: 1 variant allele.
Comment: 5481-15C>T in Intron 39 of MYO7A: This variant is not expected to have clinical significance because it is not located within the splice consensus sequence and computational tools do not suggest an impact to splicing.